The following is an entry in ClinVar:

ClinVar aggregate classification (germline): Conflicting classifications of pathogenicity. Review status: criteria provided, conflicting classifications (1 of 4 stars). 17 submissions from 17 submitters: Uncertain significance (3); Likely benign (10). 4 of the submissions do not count toward it. Last evaluated 2026-01-31.

Conditions:
APC-related disorder. Also called: APC-related condition.
Desmoid disease, hereditary (DESMD). Also called: FIBROMATOSIS, FAMILIAL INFILTRATIVE. Identifiers: Orphanet 873, MedGen C1851124, OMIM 135290. Disease mechanism: loss of function.
Familial adenomatous polyposis 1 (FAP1). Also called: FAMILIAL ADENOMATOUS POLYPOSIS 1, ATTENUATED; POLYPOSIS, ADENOMATOUS INTESTINAL. Identifiers: MedGen C2713442, MONDO:0021056, OMIM 175100. Disease mechanism: loss of function.
Neoplasm of stomach. Also called: Neoplasm of the stomach; Gastric neoplasm; Stomach Neoplasms. Identifiers: MedGen C0038356, MONDO:0021085, HP:0006753. Disease mechanism: gain of function. Inheritance: Somatic mutation.
Carcinoma of colon (CRC). Also called: Colonic carcinoma; Colon carcinoma. Identifiers: MedGen C0699790, MONDO:0002032.
Hepatocellular carcinoma (HCC). Also called: Primary carcinoma of liver; HEPATOMA; LIVER CELL CARCINOMA. Identifiers: Orphanet 88673, MedGen C2239176, MONDO:0007256, OMIM 114550, HP:0001402.
Hereditary cancer-predisposing syndrome. Also called: Tumor predisposition; Neoplastic Syndromes, Hereditary; Hereditary neoplastic syndrome; Hereditary Cancer Syndrome. Identifiers: Orphanet 140162, MedGen C0027672, MeSH D009386, MONDO:0015356.

Allele frequency attached by ClinVar (database versions not stated): gnomAD 0.00007; gnomAD exomes 0.00008 and 0.00010; TOPMed 0.00008; ExAC 0.00015; ESP Exome Variant Server 0.00023.
gnomAD v4.1: 135 of 1,601,990 alleles (0.0084%); highest among the groups gnomAD compares: Non-Finnish European, 0.0095%; no homozygotes.

Submissions (17):

Labcorp Genetics (formerly Invitae), Labcorp
Classification: Likely benign for Familial adenomatous polyposis 1. Last evaluated: 2026-01-31. Review status: criteria provided, single submitter. Criteria: Invitae Variant Classification Sherloc (09022015). Collection method: clinical testing. Allele origin: germline.

Dasa
Classification: Likely benign. Last evaluated: 2025-12-29. Review status: criteria provided, single submitter. Criteria: DASA Assertion Criteria. Collection method: clinical testing. Allele origin: germline.
Comment: NM_000038.6(APC):c.8389A>G (p.Ser2797Gly) is a missense variant that results in the substitution of serine with glycine. Computational prediction algorithms are consistent with a benign effect. Therefore, based on the currently available evidence, this variant is classified as likely benign.

PreventionGenetics, part of Exact Sciences
Classification: Likely benign for APC-related condition. Last evaluated: 2025-11-08. Review status: criteria provided, single submitter. Criteria: ACMG Guidelines, 2015. Collection method: clinical testing. Allele origin: germline.
Comment: This variant is classified as likely benign based on ACMG/AMP sequence variant interpretation guidelines (Richards et al. 2015 PMID: 25741868, with internal and published modifications).

Quest Diagnostics Nichols Institute San Juan Capistrano
Classification: Likely benign. Last evaluated: 2025-10-29. Review status: criteria provided, single submitter. Criteria: Quest Diagnostics criteria. Collection method: clinical testing. Allele origin: unknown.

Center for Genomic Medicine, Rigshospitalet, Copenhagen University Hospital
Classification: Likely benign. Last evaluated: 2025-03-04. Review status: criteria provided, single submitter. Criteria: ACMG Guidelines, 2015. Collection method: clinical testing. Allele origin: germline.

Myriad Genetics, Inc.
Classification: Likely benign for Familial adenomatous polyposis 1. Last evaluated: 2025-01-29. Review status: criteria provided, single submitter. Criteria: Myriad Autosomal Dominant, Autosomal Recessive and X-Linked Classification Criteria (2023). Collection method: clinical testing. Allele origin: unknown.
Comment: This variant is considered likely benign. This variant has been observed at a population frequency that is significantly greater than expected given the associated disease prevalence and penetrance.

Women's Health and Genetics/Laboratory Corporation of America, LabCorp
Classification: Likely benign. Last evaluated: 2024-12-16. Review status: criteria provided, single submitter. Criteria: LabCorp Variant Classification Summary - May 2015. Collection method: clinical testing. Allele origin: germline.
Comment: Variant summary: APC c.8389A>G (p.Ser2797Gly) results in a non-conservative amino acid change located in the EB-1 binding domain (IPR009232) of the encoded protein sequence. Four of five in-silico tools predict a benign effect of the variant on protein function. The variant allele was found at a frequency of 9.6e-05 in 239728 control chromosomes, predominantly at a frequency of 0.00018 within the Non-Finnish European subpopulation in the gnomAD database. The observed variant frequency within Non-Finnish European control individuals in the gnomAD database is approximately 2.5-fold of the estimated maximal expected allele frequency for a pathogenic variant in APC causing Familial Adenomatous Polyposis phenotype (7.1e-05). c.8389A>G has been reported in the literature as a VUS in individuals affected with colorectal, breast, colon, and lung cancers (examples: Tung_2015, Yurgelun_2017, Dominguez-Valentin_2018, Beaubier_2019, Svensson_2022), or without evidence of causality in prostate or other cancers (examples: Mateo_2020, Zhang_2015). These report(s) do not provide unequivocal conclusions about association of the variant with Familial Adenomatous Polyposis. At-least one co-occurrence with another pathogenic variant(s) have been reported (CHEK2 c.319+2T>A, Dominguez-Valentin_2018), providing supporting evidence for a benign role. The following publications have been ascertained in the context of this evaluation (PMID: 25186627, 28135145, 28608266, 26580448, 31874108, 31570899, 35264596, 35430768). ClinVar contains an entry for this variant (Variation ID: 141436). Based on the evidence outlined above, the variant was classified as likely benign.

Color Diagnostics, LLC DBA Color Health
Classification: Likely benign for Hereditary cancer-predisposing syndrome. Last evaluated: 2024-09-24. Review status: criteria provided, single submitter. Criteria: ACMG Guidelines, 2015. Collection method: clinical testing. Allele origin: germline.

GeneDx
Classification: Uncertain significance. Last evaluated: 2023-06-09. Review status: criteria provided, single submitter. Criteria: GeneDx Variant Classification Process June 2021. Collection method: clinical testing. Allele origin: germline. Affected: yes.
Comment: In silico analysis supports that this missense variant does not alter protein structure/function; Observed in individuals with colorectal cancer, colon polyp(s), and/or breast cancer (Tung et al., 2015; Jelsig et al., 2016; Dominguez-Valentin et al., 2017; Yurgelun et al., 2017; Guindalini et al., 2022); This variant is associated with the following publications: (PMID: 25186627, 28608266, 28135145, 16454848, 26580448, 27146957, 30122538, 35264596, 18199528)

Department of Pathology and Laboratory Medicine, Sinai Health System
Classification: Likely benign for Desmoid disease, hereditary. Last evaluated: 2020-12-07. Review status: criteria provided, single submitter. Criteria: ACMG Guidelines, 2015. Collection method: clinical testing. Allele origin: germline. Affected: yes.

Ambry Genetics
Classification: Likely benign for Hereditary cancer-predisposing syndrome. Last evaluated: 2018-11-16. Review status: criteria provided, single submitter. Criteria: Ambry Variant Classification Scheme 2023. Collection method: clinical testing. Allele origin: germline.

Mendelics
Classification: Uncertain significance for Familial adenomatous polyposis 1. Last evaluated: 2018-07-02. Review status: criteria provided, single submitter. Criteria: Mendelics Assertion Criteria 2017. Collection method: clinical testing. Allele origin: unknown.

Fulgent Genetics
Classification: Uncertain significance for Colorectal cancer; Hepatocellular carcinoma; Desmoid disease, hereditary; Familial adenomatous polyposis 1; Gastric cancer. Last evaluated: 2017-05-23. Review status: criteria provided, single submitter. Criteria: ACMG Guidelines, 2015. Collection method: clinical testing. Allele origin: unknown.

Counsyl
Classification: Uncertain significance for Familial adenomatous polyposis 1. Last evaluated: 2016-02-19. Review status: no assertion criteria provided. Collection method: clinical testing. Allele origin: unknown. Not counted in ClinVar's aggregate classification.

Clinical Genetics, Academic Medical Center
Classification: Likely benign. Review status: no assertion criteria provided. Collection method: clinical testing. Allele origin: germline. Affected: yes. Study: VKGL Data-share Consensus. Not counted in ClinVar's aggregate classification.

Joint Genome Diagnostic Labs from Nijmegen and Maastricht, Radboudumc and MUMC+
Classification: Likely benign. Review status: no assertion criteria provided. Collection method: clinical testing. Allele origin: germline. Affected: yes. Study: VKGL Data-share Consensus. Not counted in ClinVar's aggregate classification.

Laboratory of Diagnostic Genome Analysis, Leiden University Medical Center (LUMC)
Classification: Likely benign. Review status: no assertion criteria provided. Collection method: clinical testing. Allele origin: germline. Affected: yes. Study: VKGL Data-share Consensus. Not counted in ClinVar's aggregate classification.

Literature cited by the submitters: PubMed 25186627 (cited by 4 submitters); PubMed 28135145 (cited by 3 submitters); PubMed 35430768 (cited by Quest Diagnostics Nichols Institute San Juan Capistrano and Women's Health and Genetics/Laboratory Corporation of America, LabCorp); PubMed 34326862 (cited by Quest Diagnostics Nichols Institute San Juan Capistrano); PubMed 28608266 (cited by Quest Diagnostics Nichols Institute San Juan Capistrano and Women's Health and Genetics/Laboratory Corporation of America, LabCorp); PubMed 26580448 (cited by Women's Health and Genetics/Laboratory Corporation of America, LabCorp); PubMed 31874108 (cited by Women's Health and Genetics/Laboratory Corporation of America, LabCorp); PubMed 31570899 (cited by Women's Health and Genetics/Laboratory Corporation of America, LabCorp); PubMed 35264596 (cited by Women's Health and Genetics/Laboratory Corporation of America, LabCorp).

NM_000038.6(APC):c.8389A>G (p.Ser2797Gly)

Gene: APC (APC regulator of Wnt signaling pathway; plus strand). Cytogenetic location: 5q22.2.
Variant type: single nucleotide variant.
Coding change: c.8389A>G on transcript NM_000038.6 (MANE Select); coding-DNA position 8389, A replaced by G.
Protein change: p.Ser2797Gly; replaces serine 2797 with glycine.
Molecular consequence: missense variant.
Genome position (GRCh38, 1-based): chr5:112,843,983, A>G. VCF-style: chr5-112843983-A-G. GRCh37 (hg19) VCF-style: chr5-112179680-A-G.
Other names: c.8389A>G, p.Ser2797Gly (NM_001127510.3, NM_001354895.2); c.8335A>G, p.Ser2779Gly (NM_001127511.3); c.8443A>G, p.Ser2815Gly (NM_001354896.2); c.8419A>G, p.Ser2807Gly (NM_001354897.2); c.8314A>G, p.Ser2772Gly (NM_001354898.2); c.8305A>G, p.Ser2769Gly (NM_001354899.2); c.8266A>G, p.Ser2756Gly (NM_001354900.2); c.8212A>G, p.Ser2738Gly (NM_001354901.2); and 5 more; short protein forms S2779G, S2797G, S2514G, S2637G, S2706G, S2738G, S2671G, S2696G.
Identifiers: ClinVar variation 141436 (VCV000141436.55), dbSNP rs147287751, ClinGen allele CA015444.
Genomic context (GRCh38, chr5:112,843,983, plus strand): 5'-GTTGCTGCCAGAGTGACTCCTTTTAATTACAACCCAAGCCCTAGGAAAAGCAGCGCAGAT[A>G]GCACTTCAGCTCGGCCATCTCAGATCCCAACTCCAGTGAATAACAACACAAAGAAGCGAG-3'
Protein context (NP_000029.2, residues 2787-2807): NPSPRKSSAD[Ser2797Gly]TSARPSQIPT